The following is an entry in ClinVar:

NM_000441.2(SLC26A4):c.1982A>G (p.Asp661Gly)

Gene: SLC26A4 (solute carrier family 26 member 4; plus strand). Cytogenetic location: 7q22.3.
Variant type: single nucleotide variant.
Coding change: c.1982A>G on transcript NM_000441.2 (MANE Select); coding-DNA position 1982, A replaced by G.
Protein change: p.Asp661Gly; replaces aspartic acid 661 with glycine.
Molecular consequence: missense variant.
Genome position (GRCh38, 1-based): chr7:107,702,005, A>G. VCF-style: chr7-107702005-A-G. GRCh37 (hg19) VCF-style: chr7-107342450-A-G.
Other names: short protein forms D661G.
Identifiers: ClinVar variation 4847851 (VCV004847851.1).

ClinVar aggregate classification (germline): Uncertain significance (1 of 4 stars; one submission).

Submission:

Women's Health and Genetics/Laboratory Corporation of America, LabCorp
Classification: Uncertain significance. Last evaluated: 2026-02-13. Review status: criteria provided, single submitter. Criteria: LabCorp Variant Classification Summary - May 2015. Collection method: clinical testing. Allele origin: germline.
Comment: Variant summary: SLC26A4 c.1982A>G (p.Asp661Gly) results in a non-conservative amino acid change in the encoded protein sequence. Algorithms developed to predict the effect of missense changes on protein structure and function all suggest that this variant is likely to be disruptive. The variant was absent in 251204 control chromosomes. The available data on variant occurrences in the general population are insufficient to allow any conclusion about variant significance. c.1982A>G has been observed in presumed compound heterozygous state in at least 1 individual(s) affected with clinical features of Pendred Syndrome (Hu_2012). These data do not allow any conclusion about variant significance. To our knowledge, no experimental evidence demonstrating an impact on protein function has been reported. The following publications have been ascertained in the context of this evaluation (PMID: 33199029, 22796198, 23838540, 25266519, 41066100, 23151031). No submitters have cited clinical-significance assessments for this variant to ClinVar. Based on the evidence outlined above, the variant was classified as uncertain significance.

Literature cited by the submitters: PubMed 25266519; PubMed 33199029; PubMed 23838540; PubMed 41066100; PubMed 23151031; PubMed 22796198.